The following is an entry in ClinVar:

NM_001378457.1(DMXL2):c.88-16_88-3dup

Gene: DMXL2 (Dmx like 2; minus strand). Cytogenetic location: 15q21.2.
Variant type: Duplication.
Coding change: c.88-16_88-3dup on transcript NM_001378457.1 (MANE Select); 16 bases into the intron before coding-DNA position 88 through 3 bases into the intron before coding-DNA position 88, 14 bases duplicated (TTTTTTTTTTTTTT).
Molecular consequence: intron variant.
Genome position (GRCh38, 1-based): chr15:51,576,184-51,576,197, AAAAAAAAAAAAAA duplicated on the plus strand (TTTTTTTTTTTTTT on the coding strand, the reverse complement: DMXL2 is on the minus strand); duplicating any 14 consecutive bases within chr15:51,576,184-51,576,203 gives the same sequence; the c. name uses the placement nearest the transcript's 3' end. VCF-style (leftmost placement, unchanged base first): chr15-51576183-T-TAAAAAAAAAAAAAA. GRCh37 (hg19) VCF-style: chr15-51868380-T-TAAAAAAAAAAAAAA.
Other names: p.?; c.88-16_88-3dup (NM_001378460.1, NM_001174117.3, NM_015263.5 and 8 more transcripts).
Identifiers: ClinVar variation 1569511 (VCV001569511.10), dbSNP rs3078066, ClinGen allele CA7562938.

ClinVar aggregate classification (germline): Likely benign. Review status: criteria provided, multiple submitters, no conflicts (2 of 4 stars). 3 submissions from 3 submitters: Likely benign (3). Last evaluated 2026-02-03.

Submissions (3):

Labcorp Genetics (formerly Invitae), Labcorp
Classification: Likely benign. Last evaluated: 2026-02-03. Review status: criteria provided, single submitter. Criteria: Invitae Variant Classification Sherloc (09022015). Collection method: clinical testing. Allele origin: germline.

Mayo Clinic Laboratories, Mayo Clinic
Classification: Likely benign. Last evaluated: 2025-11-26. Review status: criteria provided, single submitter. Criteria: ACMG Guidelines, 2015. Collection method: clinical testing. Allele origin: germline. Observed: 25 variant alleles.
Comment: BP4, BP7

Blueprint Genetics
Classification: Likely benign. Last evaluated: 2024-11-27. Review status: criteria provided, single submitter. Criteria: ACMG Guidelines, 2015. Collection method: clinical testing. Allele origin: germline.